The following is an entry in ClinVar:

ClinVar aggregate classification (germline): Uncertain significance. Review status: criteria provided, single submitter (1 of 4 stars). 3 submissions from 3 submitters: Uncertain significance (1). 2 of the submissions do not count toward it. Last evaluated 2024-04-29.

Allele frequency attached by ClinVar (database versions not stated): gnomAD exomes 0.00002 and 0.00004; ExAC 0.00006; gnomAD 0.00001; TOPMed 0.00001.
gnomAD v4.1: 25 of 1,612,268 alleles (0.0016%); highest among the groups gnomAD compares: East Asian, 0.0067%; no homozygotes.

Submissions (3):

Labcorp Genetics (formerly Invitae), Labcorp
Classification: Uncertain significance. Last evaluated: 2024-04-29. Review status: criteria provided, single submitter. Criteria: Invitae Variant Classification Sherloc (09022015). Collection method: clinical testing. Allele origin: germline.
Comment: This sequence change replaces threonine, which is neutral and polar, with methionine, which is neutral and non-polar, at codon 669 of the A2ML1 protein (p.Thr669Met). This variant is present in population databases (rs745912214, gnomAD 0.007%). This variant has not been reported in the literature in individuals affected with A2ML1-related conditions. ClinVar contains an entry for this variant (Variation ID: 1299983). Algorithms developed to predict the effect of missense changes on protein structure and function output the following: SIFT: "Not Available"; PolyPhen-2: "Benign"; Align-GVGD: "Not Available". The methionine amino acid residue is found in multiple mammalian species, which suggests that this missense change does not adversely affect protein function. In summary, the available evidence is currently insufficient to determine the role of this variant in disease. Therefore, it has been classified as a Variant of Uncertain Significance.

Clinical Genetics DNA and cytogenetics Diagnostics Lab, Erasmus MC, Erasmus Medical Center
Classification: Likely benign. Review status: no assertion criteria provided. Collection method: clinical testing. Allele origin: germline. Affected: yes. Study: VKGL Data-share Consensus. Not counted in ClinVar's aggregate classification.

Joint Genome Diagnostic Labs from Nijmegen and Maastricht, Radboudumc and MUMC+
Classification: Likely benign. Review status: no assertion criteria provided. Collection method: clinical testing. Allele origin: germline. Affected: yes. Study: VKGL Data-share Consensus. Not counted in ClinVar's aggregate classification.

NM_144670.6(A2ML1):c.2006C>T (p.Thr669Met)

Gene: A2ML1 (alpha-2-macroglobulin like 1; plus strand). Cytogenetic location: 12p13.31.
Variant type: single nucleotide variant.
Coding change: c.2006C>T on transcript NM_144670.6 (MANE Select); coding-DNA position 2006, C replaced by T.
Protein change: p.Thr669Met; replaces threonine 669 with methionine.
Molecular consequence: missense variant.
Genome position (GRCh38, 1-based): chr12:8,848,892, C>T. VCF-style: chr12-8848892-C-T. GRCh37 (hg19) VCF-style: chr12-9001488-C-T.
Other names: c.533C>T, p.Thr178Met (NM_001282424.3); short protein forms T178M, T669M.
Identifiers: ClinVar variation 1299983 (VCV001299983.7), dbSNP rs745912214, ClinGen allele CA6435860.
Genomic context (GRCh38, chr12:8,848,892, plus strand): 5'-TGCCCCAAGGGCATTCGAGCCAGCGTTCCATTATCTGGAGGCCCTCGTTCTCTGAAGGCA[C>T]GGACCTTTTCAGCTTTTTCCGGGTAGGTCTTCTTACCCATTTTGTTCTTATGGGAAAGAT-3'
Protein context (NP_653271.3, residues 659-679): IIWRPSFSEG[Thr669Met]DLFSFFRDVG